The following is an entry in ClinVar:

ClinVar aggregate classification (germline): Uncertain significance (1 of 4 stars; one submission).

Conditions:
Cerebral cavernous malformation 2. Also called: Familial Cerebral Cavernous Malformation 2. Identifiers: Orphanet 221061, MedGen C1864041, MONDO:0011304, OMIM 603284.

Submission:

Labcorp Genetics (formerly Invitae), Labcorp
Classification: Uncertain significance for Cerebral cavernous malformation 2. Last evaluated: 2025-11-26. Review status: criteria provided, single submitter. Criteria: Invitae Variant Classification Sherloc (09022015). Collection method: clinical testing. Allele origin: germline.
Comment: This sequence change replaces glycine, which is neutral and non-polar, with aspartic acid, which is acidic and polar, at codon 8 of the CCM2 protein (p.Gly8Asp). This variant is not present in population databases (gnomAD no frequency). This variant has not been reported in the literature in individuals affected with CCM2-related conditions. Experimental studies and prediction algorithms are not available or were not evaluated, and the functional significance of this variant is currently unknown. In summary, the available evidence is currently insufficient to determine the role of this variant in disease. Therefore, it has been classified as a Variant of Uncertain Significance.

NM_031443.4(CCM2):c.23G>A (p.Gly8Asp)

Genes: CCM2 (CCM2 scaffold protein; plus strand), LOC129998395 (ATAC-STARR-seq lymphoblastoid silent region 18162; plus strand). Cytogenetic location: 7p13.
Variant type: single nucleotide variant.
Coding change: c.23G>A on transcript NM_031443.4 (MANE Select); coding-DNA position 23, G replaced by A.
Protein change: p.Gly8Asp; replaces glycine 8 with aspartic acid.
Molecular consequence: missense variant.
Genome position (GRCh38, 1-based): chr7:45,000,356, G>A. VCF-style: chr7-45000356-G-A. GRCh37 (hg19) VCF-style: chr7-45039955-G-A.
Other names: c.23G>A, p.Gly8Asp (NM_001167934.2, NM_001167935.2, NM_001363458.2 and 1 more transcripts); short protein forms G8D.
Identifiers: ClinVar variation 4771148 (VCV004771148.1).
Genomic context (GRCh38, chr7:45,000,356, plus strand): 5'-GGCGGGCCGGGCGGGCCGCGGGAGCCGCACGCGGCGATATGGAAGAGGAGGGCAAGAAGG[G>A]CAAGAAGGTGAGCGTGCGCGGGGGCGTCCTACTGCTGTGGTCGGCGGGCGGCTGGGTTGA-3'
Protein context (NP_113631.1, residues 1-18): MEEEGKK[Gly8Asp]KKPGIVSPFK